The following is an entry in ClinVar:

ClinVar aggregate classification (germline): Uncertain significance (1 of 4 stars; one submission).

Conditions:
Ataxia-telangiectasia syndrome (AT). Also called: Ataxia telangiectasia (A-T); LOUIS-BAR SYNDROME; Cerebello-oculocutaneous telangiectasia; Immunodeficiency with ataxia telangiectasia; Ataxia-telangiectasia, complementation group D; AT, COMPLEMENTATION GROUP C. Identifiers: Orphanet 100, MedGen C0004135, MONDO:0008840, OMIM 208900.

Submission:

Labcorp Genetics (formerly Invitae), Labcorp
Classification: Uncertain significance for Ataxia-telangiectasia syndrome. Last evaluated: 2022-10-03. Review status: criteria provided, single submitter. Criteria: Invitae Variant Classification Sherloc (09022015). Collection method: clinical testing. Allele origin: germline.
Comment: In summary, the available evidence is currently insufficient to determine the role of this variant in disease. Therefore, it has been classified as a Variant of Uncertain Significance. Algorithms developed to predict the effect of missense changes on protein structure and function (SIFT, PolyPhen-2, Align-GVGD) all suggest that this variant is likely to be disruptive. This variant has not been reported in the literature in individuals affected with ATM-related conditions. This variant is not present in population databases (gnomAD no frequency). This sequence change replaces tyrosine, which is neutral and polar, with asparagine, which is neutral and polar, at codon 2954 of the ATM protein (p.Tyr2954Asn).

NM_000051.4(ATM):c.8860T>A (p.Tyr2954Asn)

Genes: ATM (ATM serine/threonine kinase; plus strand), C11orf65 (chromosome 11 open reading frame 65; minus strand). Cytogenetic location: 11q22.3.
Variant type: single nucleotide variant.
Coding change: c.8860T>A on transcript NM_000051.4 (MANE Select); coding-DNA position 8860, T replaced by A.
Protein change: p.Tyr2954Asn; replaces tyrosine 2954 with asparagine.
Molecular consequence: missense variant. On other transcripts: intron variant (2).
Genome position (GRCh38, 1-based): chr11:108,365,091, T>A. VCF-style: chr11-108365091-T-A. GRCh37 (hg19) VCF-style: chr11-108235818-T-A.
Other names: c.8860T>A, p.Tyr2954Asn (NM_001351834.2); c.640+20829A>T (NM_001330368.2); c.694+20829A>T (NM_001351110.2); short protein forms Y2954N.
Identifiers: ClinVar variation 1719951 (VCV001719951.6), dbSNP rs371619067, ClinGen allele CA382529567.
Genomic context (GRCh38, chr11:108,365,091, plus strand): 5'-TGTGATTAAAATGTACATTGTTCTTTTAATACATATGTTCTCTCTGTTTAGGTCCTTCTA[T>A]ATGATCCACTCTTTGACTGGACCATGAATCCTTTGAAAGCTTTGTATTTACAGCAGAGGC-3'
Protein context (NP_000042.3, residues 2944-2964): TLLTIVEVLL[Tyr2954Asn]DPLFDWTMNP